The following is an entry in ClinVar:

ClinVar aggregate classification (germline): Uncertain significance (1 of 4 stars; one submission).

Submission:

Labcorp Genetics (formerly Invitae), Labcorp
Classification: Uncertain significance. Last evaluated: 2022-08-22. Review status: criteria provided, single submitter. Criteria: Invitae Variant Classification Sherloc (09022015). Collection method: clinical testing. Allele origin: germline.
Comment: In summary, the available evidence is currently insufficient to determine the role of this variant in disease. Therefore, it has been classified as a Variant of Uncertain Significance. Algorithms developed to predict the effect of missense changes on protein structure and function are either unavailable or do not agree on the potential impact of this missense change (SIFT: "Not Available"; PolyPhen-2: "Benign"; Align-GVGD: "Not Available"). This variant has not been reported in the literature in individuals affected with COX15-related conditions. This variant is not present in population databases (gnomAD no frequency). This sequence change replaces lysine, which is basic and polar, with arginine, which is basic and polar, at codon 209 of the COX15 protein (p.Lys209Arg).

NM_078470.6(COX15):c.626A>G (p.Lys209Arg)

Gene: COX15 (cytochrome c oxidase assembly factor COX15; minus strand). Cytogenetic location: 10q24.2.
Variant type: single nucleotide variant.
Coding change: c.626A>G on transcript NM_078470.6 (MANE Select); coding-DNA position 626, A replaced by G.
Protein change: p.Lys209Arg; replaces lysine 209 with arginine.
Molecular consequence: missense variant. On other transcripts: non-coding transcript variant (1).
Genome position (GRCh38, 1-based): chr10:99,724,080, T>C on the plus strand (A>G on the coding strand, the complement: COX15 is on the minus strand). VCF-style: chr10-99724080-T-C. GRCh37 (hg19) VCF-style: chr10-101483837-T-C.
Other names: c.626A>G, p.Lys209Arg (NM_001320974.2, NM_001320975.2, NM_001372024.1 and 5 more transcripts); c.89A>G, p.Lys30Arg (NM_001320976.2); short protein forms K209R, K30R.
Identifiers: ClinVar variation 1717377 (VCV001717377.5), dbSNP rs2492707268, ClinGen allele CA378103783.